The following is an entry in ClinVar:

ClinVar aggregate classification (germline): Benign/Likely benign. Review status: criteria provided, multiple submitters, no conflicts (2 of 4 stars). 3 submissions from 3 submitters: Benign (1); Likely benign (2). Last evaluated 2026-08-17.

Conditions:
DICER1-related tumor predisposition. Also called: DICER1 syndrome; DICER1-related pleuropulmonary blastoma cancer predisposition syndrome. Identifiers: Orphanet 284343, MedGen C3839822, MONDO:0100216.
Hereditary cancer-predisposing syndrome. Also called: Hereditary neoplastic syndrome; Neoplastic Syndromes, Hereditary; Tumor predisposition; Hereditary Cancer Syndrome. Identifiers: Orphanet 140162, MedGen C0027672, MeSH D009386, MONDO:0015356.

Submissions (3):

Myriad Genetics, Inc.
Classification: Benign for DICER1-related tumor predisposition. Last evaluated: 2026-08-17. Review status: criteria provided, single submitter. Criteria: Myriad Autosomal Dominant, Autosomal Recessive and X-Linked Classification Criteria (2023). Collection method: clinical testing. Allele origin: unknown.
Comment: This variant is considered benign. This variant is a silent/synonymous amino acid change and it is not expected to impact splicing.

Ambry Genetics
Classification: Likely benign for Hereditary cancer-predisposing syndrome. Last evaluated: 2023-10-06. Review status: criteria provided, single submitter. Criteria: Ambry Variant Classification Scheme 2023. Collection method: clinical testing. Allele origin: germline.

Labcorp Genetics (formerly Invitae), Labcorp
Classification: Likely benign for DICER1-related tumor predisposition. Last evaluated: 2019-11-23. Review status: criteria provided, single submitter. Criteria: Invitae Variant Classification Sherloc (09022015). Collection method: clinical testing. Allele origin: germline.

NM_177438.3(DICER1):c.3870T>C (p.Leu1290=)

Gene: DICER1 (dicer 1, ribonuclease III; minus strand). Cytogenetic location: 14q32.13.
Variant type: single nucleotide variant.
Coding change: c.3870T>C on transcript NM_177438.3 (MANE Select); coding-DNA position 3870, T replaced by C.
Protein change: p.Leu1290=; no amino-acid change (leucine 1290 retained).
Molecular consequence: synonymous variant.
Genome position (GRCh38, 1-based): chr14:95,103,526, A>G on the plus strand (T>C on the coding strand, the complement: DICER1 is on the minus strand). VCF-style: chr14-95103526-A-G. GRCh37 (hg19) VCF-style: chr14-95569863-A-G.
Other names: c.3870T>C, p.Leu1290= (NM_001195573.1, NM_001271282.3, NM_001291628.2 and 1 more transcripts).
Identifiers: ClinVar variation 799683 (VCV000799683.14), dbSNP rs1595364321, ClinGen allele CA487844397.